The following is an entry in ClinVar:

ClinVar aggregate classification (germline): Uncertain significance (1 of 4 stars; one submission).

gnomAD v4.1: 7 of 1,613,712 alleles (0.00043%); highest among the groups gnomAD compares: East Asian, 0.013%; no homozygotes.

Submission:

Labcorp Genetics (formerly Invitae), Labcorp
Classification: Uncertain significance. Last evaluated: 2026-01-29. Review status: criteria provided, single submitter. Criteria: Invitae Variant Classification Sherloc (09022015). Collection method: clinical testing. Allele origin: germline.
Comment: This sequence change replaces glycine, which is neutral and non-polar, with aspartic acid, which is acidic and polar, at codon 2815 of the HMCN1 protein (p.Gly2815Asp). This variant is not present in population databases (gnomAD no frequency). This variant has not been reported in the literature in individuals affected with HMCN1-related conditions. An algorithm developed to predict the effect of missense changes on protein structure and function (PolyPhen-2) suggests that this variant is likely to be disruptive. In summary, the available evidence is currently insufficient to determine the role of this variant in disease. Therefore, it has been classified as a Variant of Uncertain Significance.

NM_031935.3(HMCN1):c.8444G>A (p.Gly2815Asp)

Gene: HMCN1 (hemicentin 1; plus strand). Cytogenetic location: 1q31.1.
Variant type: single nucleotide variant.
Coding change: c.8444G>A on transcript NM_031935.3 (MANE Select); coding-DNA position 8444, G replaced by A.
Protein change: p.Gly2815Asp; replaces glycine 2815 with aspartic acid.
Molecular consequence: missense variant.
Genome position (GRCh38, 1-based): chr1:186,076,581, G>A. VCF-style: chr1-186076581-G-A. GRCh37 (hg19) VCF-style: chr1-186045713-G-A.
Other names: short protein forms G2815D.
Identifiers: ClinVar variation 4760171 (VCV004760171.1).